The following is an entry in ClinVar:

NM_000508.5(FGA):c.2466C>A (p.Tyr822Ter)

Gene: FGA (fibrinogen alpha chain; minus strand). Cytogenetic location: 4q31.3.
Variant type: single nucleotide variant.
Coding change: c.2466C>A on transcript NM_000508.5; coding-DNA position 2466, C replaced by A.
Protein change: p.Tyr822Ter; replaces tyrosine 822 with a stop codon.
Molecular consequence: nonsense.
Genome position (GRCh38, 1-based): chr4:154,584,259, G>T on the plus strand (C>A on the coding strand, the complement: FGA is on the minus strand). VCF-style: chr4-154584259-G-T. GRCh37 (hg19) VCF-style: chr4-155505411-G-T.
Other names: short protein forms Y822*.
Identifiers: ClinVar variation 4886673 (VCV004886673.2).

ClinVar aggregate classification (germline): Uncertain significance (1 of 4 stars; one submission).

Submission:

Dasa
Classification: Uncertain significance. Last evaluated: 2025-06-06. Review status: criteria provided, single submitter. Criteria: DASA Assertion Criteria. Collection method: clinical testing. Allele origin: germline.
Comment: NM_000508.5(FGA):c.2466C>A (p.Tyr822*) is a nonsense variant in FGA predicted to introduce a premature termination codon and is predicted to result in an absent or altered protein product. This variant is rare in population databases. The currently available literature and clinical evidence are not sufficient to establish a definitive association between this variant and the reported condition. Therefore, this variant is classified as a variant of uncertain significance.